The following is an entry in ClinVar:

ClinVar aggregate classification (germline): Conflicting classifications of pathogenicity. Review status: criteria provided, conflicting classifications (1 of 4 stars). 19 submissions from 16 submitters: Uncertain significance (1); Benign (7); Likely benign (5). 6 of the submissions do not count toward it. Last evaluated 2026-09-01.

Conditions:
TTN-related disorder. Also called: TTN-related disorders; TTN-related condition; TTN-related disease.
Autosomal recessive limb-girdle muscular dystrophy type 2J (LGMDR10). Also called: Limb-girdle muscular dystrophy, type 2J; MUSCULAR DYSTROPHY, LIMB-GIRDLE, AUTOSOMAL RECESSIVE 10. Identifiers: Orphanet 140922, MedGen C1837342, MONDO:0012127, OMIM 608807.
Dilated cardiomyopathy 1G (CMD1G). Identifiers: Orphanet 154, MedGen C1858763, MONDO:0011400, OMIM 604145.
Congenital myopathy. Identifiers: Orphanet 97245, MedGen C0270960, MONDO:0019952.
Hypertrophic cardiomyopathy 9. Also called: Familial hypertrophic cardiomyopathy 9. Identifiers: MedGen C1861065, MONDO:0013412, OMIM 613765.
Early-onset myopathy with fatal cardiomyopathy (CMYO5). Also called: Salih Myopathy; CONGENITAL MYOPATHY 5 WITH CARDIOMYOPATHY. Identifiers: Orphanet 289377, MedGen C2673677, MONDO:0012714, OMIM 611705. Disease mechanism: loss of function.
Myopathy, myofibrillar, 9, with early respiratory failure (MFM9). Also called: Myopathy, distal, with early respiratory failure, autosomal dominant; EDSTROM MYOPATHY; MYOPATHY, PROXIMAL, WITH EARLY RESPIRATORY MUSCLE INVOLVEMENT; Hereditary myopathy with early respiratory failure. Identifiers: Orphanet 178464, Orphanet 34521, MedGen C1863599, MONDO:0011362, OMIM 603689.
Tibial muscular dystrophy (TMD). Also called: Udd Distal Myopathy – Tibial Muscular Dystrophy; UDD MYOPATHY; Tibial muscular dystrophy, tardive. Identifiers: Orphanet 609, MedGen C1838244, MONDO:0010870, OMIM 600334.

Allele frequency attached by ClinVar (database versions not stated): 1000 Genomes Project 0.00020; 1000 Genomes Project 30x 0.00031; gnomAD exomes 0.00190 and 0.00327; gnomAD 0.00204 and 0.00215; ExAC 0.00207; TOPMed 0.00207; ESP Exome Variant Server 0.00296.
gnomAD v4.1: 5,056 of 1,613,386 alleles (0.31%); highest among the groups gnomAD compares: Non-Finnish European, 0.4%; 13 homozygotes.

Submissions (19):

CeGaT Center for Human Genetics Tuebingen
Classification: Likely benign. Last evaluated: 2026-09-01. Review status: criteria provided, single submitter. Criteria: CeGaT Center For Human Genetics Tuebingen Variant Classification Criteria Version 2. Collection method: clinical testing. Allele origin: germline. Affected: yes. Observed: 30 variant alleles.
Comment: TTN: BP4, BS2

Labcorp Genetics (formerly Invitae), Labcorp
Classification: Likely benign for Dilated cardiomyopathy 1G; Autosomal recessive limb-girdle muscular dystrophy type 2J. Last evaluated: 2026-02-04. Review status: criteria provided, single submitter. Criteria: Invitae Variant Classification Sherloc (09022015). Collection method: clinical testing. Allele origin: germline.

ARUP Laboratories, Molecular Genetics and Genomics, ARUP Laboratories
Classification: Benign. Last evaluated: 2025-06-23. Review status: criteria provided, single submitter. Criteria: ARUP Molecular Germline Variant Investigation Process 2024. Collection method: clinical testing. Allele origin: germline.

Molecular Diagnostic Laboratory for Inherited Cardiovascular Disease, Montreal Heart Institute
Classification: Likely benign. Last evaluated: 2025-04-09. Review status: criteria provided, single submitter. Criteria: ACMG Guidelines, 2015. Collection method: clinical testing. Allele origin: germline. Affected: no.

Blueprint Genetics
Classification: Likely benign. Last evaluated: 2024-11-26. Review status: criteria provided, single submitter. Criteria: ACMG Guidelines, 2015. Collection method: clinical testing. Allele origin: germline.

Athena Diagnostics
Classification: Benign. Last evaluated: 2024-05-07. Review status: criteria provided, single submitter. Criteria: Athena Diagnostics Criteria. Collection method: clinical testing. Allele origin: unknown.

Genome-Nilou Lab
Classification: Benign for Autosomal recessive limb-girdle muscular dystrophy type 2J. Last evaluated: 2021-09-10. Review status: criteria provided, single submitter. Criteria: ACMG Guidelines, 2015. Collection method: clinical testing. Allele origin: germline. Affected: no.

Genome-Nilou Lab
Classification: Benign for Myopathy, myofibrillar, 9, with early respiratory failure. Last evaluated: 2021-09-10. Review status: criteria provided, single submitter. Criteria: ACMG Guidelines, 2015. Collection method: clinical testing. Allele origin: germline. Affected: no.

Genome-Nilou Lab
Classification: Benign for Early-onset myopathy with fatal cardiomyopathy. Last evaluated: 2021-09-10. Review status: criteria provided, single submitter. Criteria: ACMG Guidelines, 2015. Collection method: clinical testing. Allele origin: germline. Affected: no.

Genome-Nilou Lab
Classification: Benign for Tibial muscular dystrophy. Last evaluated: 2021-09-10. Review status: criteria provided, single submitter. Criteria: ACMG Guidelines, 2015. Collection method: clinical testing. Allele origin: germline. Affected: no.

Department of Pathology and Laboratory Medicine, Sinai Health System
Classification: Likely benign for Tibial muscular dystrophy; Myopathy, myofibrillar, 9, with early respiratory failure; Dilated cardiomyopathy 1G; Autosomal recessive limb-girdle muscular dystrophy type 2J; Early-onset myopathy with fatal cardiomyopathy; Hypertrophic cardiomyopathy 9. Last evaluated: 2021-07-30. Review status: criteria provided, single submitter. Criteria: ACMG Guidelines, 2015. Collection method: research. Allele origin: germline.

Cambridge Genomics Laboratory, East Genomic Laboratory Hub, NHS Genomic Medicine Service
Classification: Uncertain significance for Congenital myopathy. Last evaluated: 2020-03-05. Review status: criteria provided, single submitter. Criteria: ACGS Best Practice Guidelines for Variant Classification in Rare Disease 2020. Collection method: clinical testing. Allele origin: germline. Affected: yes. Observed: 1 variant allele.

Biesecker Lab/Clinical Genomics Section, National Institutes of Health
Classification: Benign. Last evaluated: 2013-06-24. Review status: criteria provided, single submitter. Criteria: Ng et al. (Circ Cardiovasc Genet. 2013). Collection method: research. Allele origin: unknown. Observed: 4 variant alleles. Study: ClinSeq.
Comment: The study set was not selected for affection status in relation to any cancer. Pathogenicity categories were based on literature curation. See Pubmed ID:23861362 for details.

Medical sequencing

PreventionGenetics, part of Exact Sciences
Classification: Likely benign for TTN-related condition. Last evaluated: 2020-10-12. Review status: no assertion criteria provided. Collection method: clinical testing. Allele origin: germline. Not counted in ClinVar's aggregate classification.
Comment: This variant is classified as likely benign based on ACMG/AMP sequence variant interpretation guidelines (Richards et al. 2015 PMID: 25741868, with internal and published modifications).

Clinical Genetics DNA and cytogenetics Diagnostics Lab, Erasmus MC, Erasmus Medical Center
Classification: Likely benign. Review status: no assertion criteria provided. Collection method: clinical testing. Allele origin: germline. Affected: yes. Study: VKGL Data-share Consensus. Not counted in ClinVar's aggregate classification.

Clinical Genetics, Academic Medical Center
Classification: Benign. Review status: no assertion criteria provided. Collection method: clinical testing. Allele origin: germline. Affected: yes. Study: VKGL Data-share Consensus. Not counted in ClinVar's aggregate classification.

Diagnostic Laboratory, Department of Genetics, University Medical Center Groningen
Classification: Likely benign. Review status: no assertion criteria provided. Collection method: clinical testing. Allele origin: germline. Affected: yes. Study: VKGL Data-share Consensus. Not counted in ClinVar's aggregate classification.

Genome Diagnostics Laboratory, University Medical Center Utrecht
Classification: Likely benign. Review status: no assertion criteria provided. Collection method: clinical testing. Allele origin: germline. Affected: yes. Study: VKGL Data-share Consensus. Not counted in ClinVar's aggregate classification.

Joint Genome Diagnostic Labs from Nijmegen and Maastricht, Radboudumc and MUMC+
Classification: Benign. Review status: no assertion criteria provided. Collection method: clinical testing. Allele origin: germline. Affected: yes. Study: VKGL Data-share Consensus. Not counted in ClinVar's aggregate classification.

Literature cited by the submitters: PubMed 29970176 (cited by Athena Diagnostics).

NM_001267550.2(TTN):c.36347A>G (p.Glu12116Gly)

Gene: TTN (titin; minus strand). Cytogenetic location: 2q31.2.
Variant type: single nucleotide variant.
Coding change: c.36347A>G on transcript NM_001267550.2 (MANE Select); coding-DNA position 36347, A replaced by G.
Protein change: p.Glu12116Gly; replaces glutamic acid 12116 with glycine.
Molecular consequence: missense variant. On other transcripts: intron variant (4).
Genome position (GRCh38, 1-based): chr2:178,664,032, T>C on the plus strand (A>G on the coding strand, the complement: TTN is on the minus strand). VCF-style: chr2-178664032-T-C. GRCh37 (hg19) VCF-style: chr2-179528759-T-C.
Other names: c.13283-21715A>G (NM_003319.4); c.13859-21715A>G (NM_133437.4); c.13658-21715A>G (NM_133432.3); c.34265-977A>G (NM_001256850.1); c.36347A>G (NM_001267550.1); c.31484-977A>G (NM_133378.4); short protein forms E12116G.
Identifiers: ClinVar variation 192216 (VCV000192216.65), dbSNP rs200513156, ClinGen allele CA200105.
Genomic context (GRCh38, chr2:178,664,032, plus strand): 5'-AGAAGAATTAGGTCTTCTGAAGCCTAAAGTCAGTGACAAATACCTTTAACAGGTGGGACT[T>C]CAGGCTTTTTAGGAGGCACCACCGACACTTTCTTTTCAGGGATAATCTCTTTGGGAGCTT-3'
Protein context (NP_001254479.2, residues 12106-12126): KVSVVPPKKP[Glu12116Gly]VPPVKVPEAS